The following is an entry in ClinVar:

ClinVar aggregate classification (germline): Uncertain significance. Review status: criteria provided, multiple submitters, no conflicts (2 of 4 stars). 8 submissions from 8 submitters: Uncertain significance (8). Last evaluated 2026-06-29.

Conditions:
Cardiovascular phenotype. Identifiers: MedGen CN230736.
Hypertrophic cardiomyopathy 14. Identifiers: MedGen C2750467, MONDO:0013197, OMIM 613251.
MYH6-related disorder. Also called: MYH6-related condition; MYH6-Related Disorders.

Allele frequency attached by ClinVar (database versions not stated): ExAC 0.00001; gnomAD 0.00007 and 0.00009; TOPMed 0.00010.
gnomAD v4.1: 34 of 1,614,084 alleles (0.0021%); highest among the groups gnomAD compares: African/African-American, 0.028%; no homozygotes.

Submissions (8):

Women's Health and Genetics/Laboratory Corporation of America, LabCorp
Classification: Uncertain significance. Last evaluated: 2026-06-29. Review status: criteria provided, single submitter. Criteria: LabCorp Variant Classification Summary - May 2015. Collection method: clinical testing. Allele origin: germline.
Comment: Variant summary: MYH6 c.3139C>T (p.Arg1047Cys) results in a non-conservative amino acid change in the encoded protein sequence. Algorithms developed to predict the effect of missense changes on protein structure and function all suggest that this variant is likely to be disruptive. The variant allele was found at a frequency of 2.4e-05 in 251488 control chromosomes (gnomAD). The available data on variant occurrences in the general population are insufficient to allow any conclusion about variant significance. c.3139C>T has been observed in an individual(s) affected with dilated cardiomyopathy (e.g. Zhao_2015). This report(s) does not provide unequivocal conclusions about association of the variant with disease. To our knowledge, no experimental evidence demonstrating an impact on protein function has been reported. The following publication has been ascertained in the context of this evaluation (PMID: 26458567). ClinVar contains an entry for this variant (Variation ID: 520322). Based on the evidence outlined above, the variant was classified as uncertain significance.

PreventionGenetics, part of Exact Sciences
Classification: Uncertain significance for MYH6-related condition. Last evaluated: 2026-06-15. Review status: criteria provided, single submitter. Criteria: ACMG Guidelines, 2015. Collection method: clinical testing. Allele origin: germline.
Comment: The MYH6 c.3139C>T variant is predicted to result in the amino acid substitution p.Arg1047Cys. This variant has been reported in an individual with dilated cardiomyopathy (Zhao et al. 2015. PubMed ID: 26458567). It has also been reported in a cohort study; however, no case-level clinical information was provided (Dataset S4, Kars et al. 2021. PubMed ID: 34426522). This variant is reported in 0.012% of alleles in individuals of African descent in gnomAD. At this time, the clinical significance of this variant is uncertain due to the absence of conclusive functional and genetic evidence.

Ambry Genetics
Classification: Uncertain significance for Cardiovascular phenotype. Last evaluated: 2025-12-17. Review status: criteria provided, single submitter. Criteria: Ambry Variant Classification Scheme 2023. Collection method: clinical testing. Allele origin: germline.
Comment: The p.R1047C variant (also known as c.3139C>T), located in coding exon 22 of the MYH6 gene, results from a C to T substitution at nucleotide position 3139. The arginine at codon 1047 is replaced by cysteine, an amino acid with highly dissimilar properties. This variant has been detected in a dilated cardiomyopathy cohort, however clinical details were limited (Zhao Y et al. Int J Mol Med. 2015 ;36:1479-86). This alteration has also been seen in a whole exome sequencing cohort (Kars ME et al. Proc Natl Acad Sci U S A, 2021 Sep;118:). This amino acid position is highly conserved in available vertebrate species. In addition, this alteration is predicted to be deleterious by in silico analysis. Since supporting evidence is limited at this time, the clinical significance of this alteration remains unclear.

Labcorp Genetics (formerly Invitae), Labcorp
Classification: Uncertain significance for Hypertrophic cardiomyopathy 14. Last evaluated: 2025-12-08. Review status: criteria provided, single submitter. Criteria: Invitae Variant Classification Sherloc (09022015). Collection method: clinical testing. Allele origin: germline.
Comment: This sequence change replaces arginine, which is basic and polar, with cysteine, which is neutral and slightly polar, at codon 1047 of the MYH6 protein (p.Arg1047Cys). This variant is present in population databases (rs755565288, gnomAD 0.01%). This missense change has been observed in individual(s) with dilated cardiomyopathy (PMID: 26458567). ClinVar contains an entry for this variant (Variation ID: 520322). Invitae Evidence Modeling of protein sequence and biophysical properties (such as structural, functional, and spatial information, amino acid conservation, physicochemical variation, residue mobility, and thermodynamic stability) indicates that this missense variant is not expected to disrupt MYH6 protein function with a negative predictive value of 80%. In summary, the available evidence is currently insufficient to determine the role of this variant in disease. Therefore, it has been classified as a Variant of Uncertain Significance.

GeneDx
Classification: Uncertain significance. Last evaluated: 2023-12-01. Review status: criteria provided, single submitter. Criteria: GeneDx Variant Classification Process June 2021. Collection method: clinical testing. Allele origin: germline. Affected: yes.
Comment: In silico analysis supports that this missense variant has a deleterious effect on protein structure/function; This variant is associated with the following publications: (PMID: 34426522, 26458567)

ARUP Laboratories, Molecular Genetics and Genomics, ARUP Laboratories
Classification: Uncertain significance. Last evaluated: 2023-01-03. Review status: criteria provided, single submitter. Criteria: ARUP Molecular Germline Variant Investigation Process 2024. Collection method: clinical testing. Allele origin: germline.
Comment: The MYH6 c.3139C>T; p.Arg1047Cys variant (rs755565288) is reported in the literature in an individual affected with dilated cardiomyopathy, but without clear disease association (Zhao 2015). This variant is also reported in ClinVar (Variation ID: 520322), and is found in the general population with an overall allele frequency of 0.0024% (6/251488 alleles) in the Genome Aggregation Database. The arginine at codon 1047 is highly conserved, and computational analyses predict that this variant is deleterious (REVEL: 0.865). Due to limited information, the clinical significance of this variant is uncertain at this time. References: Zhao Y et al. Targeted next-generation sequencing of candidate genes reveals novel mutations in patients with dilated cardiomyopathy. Int J Mol Med. 2015 Dec;36(6):1479-86. PMID: 26458567.

Clinical Genetics Laboratory, Skane University Hospital Lund
Classification: Uncertain significance. Last evaluated: 2022-05-27. Review status: criteria provided, single submitter. Criteria: ACMG Guidelines, 2015. Collection method: clinical testing. Allele origin: germline. Affected: yes.

AiLife Diagnostics
Classification: Uncertain significance. Last evaluated: 2022-02-21. Review status: criteria provided, single submitter. Criteria: ACMG Guidelines, 2015. Collection method: clinical testing. Allele origin: germline. Affected: yes. Observed: 1 variant allele.

Literature cited by the submitters: PubMed 26458567 (cited by 4 submitters); PubMed 34426522 (cited by Ambry Genetics).

NM_002471.4(MYH6):c.3139C>T (p.Arg1047Cys)

Gene: MYH6 (myosin heavy chain 6; minus strand). Cytogenetic location: 14q11.2.
Variant type: single nucleotide variant.
Coding change: c.3139C>T on transcript NM_002471.4 (MANE Select); coding-DNA position 3139, C replaced by T.
Protein change: p.Arg1047Cys; replaces arginine 1047 with cysteine.
Molecular consequence: missense variant.
Genome position (GRCh38, 1-based): chr14:23,393,024, G>A on the plus strand (C>T on the coding strand, the complement: MYH6 is on the minus strand). VCF-style: chr14-23393024-G-A. GRCh37 (hg19) VCF-style: chr14-23862233-G-A.
Other names: short protein forms R1047C.
Identifiers: ClinVar variation 520322 (VCV000520322.20), dbSNP rs755565288, ClinGen allele CA7115293.